The following is an entry in ClinVar:

ClinVar aggregate classification (germline): Uncertain significance (1 of 4 stars; one submission).

Conditions:
Ophthalmoplegia, external, with rib and vertebral anomalies. Identifiers: MedGen C4748418, MONDO:0032565, OMIM 618155.

Allele frequency attached by ClinVar (database versions not stated): TOPMed below 0.00001.

Submission:

Baylor Genetics
Classification: Uncertain significance for Ophthalmoplegia, external, with rib and vertebral anomalies. Last evaluated: 2019-11-14. Review status: criteria provided, single submitter. Criteria: ACMG Guidelines, 2015. Collection method: clinical testing. Allele origin: unknown. Affected: yes.
Comment: This variant was determined to be of uncertain significance according to ACMG Guidelines, 2015 [PMID:25741868].

NM_005593.3(MYF5):c.51C>G (p.Asp17Glu)

Gene: MYF5 (myogenic factor 5; plus strand). Cytogenetic location: 12q21.31.
Variant type: single nucleotide variant.
Coding change: c.51C>G on transcript NM_005593.3 (MANE Select); coding-DNA position 51, C replaced by G.
Protein change: p.Asp17Glu; replaces aspartic acid 17 with glutamic acid.
Molecular consequence: missense variant.
Genome position (GRCh38, 1-based): chr12:80,717,114, C>G. VCF-style: chr12-80717114-C-G. GRCh37 (hg19) VCF-style: chr12-81110893-C-G.
Other names: short protein forms D17E.
Identifiers: ClinVar variation 1028918 (VCV001028918.1), dbSNP rs1229470428, ClinGen allele CA385866767.